The following is an entry in ClinVar:

ClinVar aggregate classification (germline): Conflicting classifications of pathogenicity. Review status: criteria provided, conflicting classifications (1 of 4 stars). 6 submissions from 5 submitters: Pathogenic (1); Uncertain significance (2). 3 of the submissions do not count toward it. Last evaluated 2024-05-06.

Conditions:
Aortic valve disease 2 (AOVD2). Identifiers: MedGen C3542024, MONDO:0013902, OMIM 614823.
Aneurysm-osteoarthritis syndrome. Also called: SMAD3-Related Loeys-Dietz Syndrome; ANEURYSMS-OSTEOARTHRITIS SYNDROME; LOEYS-DIETZ SYNDROME WITH OSTEOARTHRITIS; Loeys-Dietz syndrome, type 1C. Identifiers: Orphanet 284984, MedGen C3151087, MONDO:0013426, OMIM 613795.
Aortic valve disease 1 (AOVD1). Identifiers: MedGen C3887892, MONDO:0024523, OMIM 109730.
Radioulnar synostosis. Also called: Congenital radioulnar synostosis. Identifiers: Orphanet 3269, MedGen C0158761, MONDO:0017985, HP:0002974.

Allele frequency attached by ClinVar (database versions not stated): TOPMed 0.00001.
gnomAD v4.1: 3 of 1,492,068 alleles (0.0002%); highest among the groups gnomAD compares: Non-Finnish European, 0.000089%; no homozygotes.

Submissions (6):

GeneDx
Classification: Pathogenic. Last evaluated: 2024-05-06. Review status: criteria provided, single submitter. Criteria: GeneDx Variant Classification Process June 2021. Collection method: clinical testing. Allele origin: germline. Affected: yes.
Comment: Nonsense variant predicted to result in protein truncation or nonsense mediated decay in a gene for which loss of function is a known mechanism of disease; Not observed at significant frequency in large population cohorts (gnomAD); This variant is associated with the following publications: (PMID: 24896178, 35982159, 30796334, 34953066)

Labcorp Genetics (formerly Invitae), Labcorp
Classification: Uncertain significance for Aortic valve disease 2. Last evaluated: 2023-04-22. Review status: criteria provided, single submitter. Criteria: Invitae Variant Classification Sherloc (09022015). Collection method: clinical testing. Allele origin: germline.
Comment: This sequence change creates a premature translational stop signal (p.Trp14*) in the SMAD6 gene. It is expected to result in an absent or disrupted protein product. However, the current clinical and genetic evidence is not sufficient to establish whether loss-of-function variants in SMAD6 cause disease. This variant is not present in population databases (gnomAD no frequency). This variant has not been reported in the literature in individuals affected with SMAD6-related conditions. In summary, the available evidence is currently insufficient to determine the role of this variant in disease. Therefore, it has been classified as a Variant of Uncertain Significance. ClinVar contains an entry for this variant (Variation ID: 471759).

Labcorp Genetics (formerly Invitae), Labcorp
Classification: Uncertain significance for Aneurysm-osteoarthritis syndrome. Last evaluated: 2017-05-04. Review status: criteria provided, single submitter. Criteria: Invitae Variant Classification Sherloc (09022015). Collection method: clinical testing. Allele origin: germline.
Comment: This sequence change creates a premature translational stop signal at codon 14 (p.Trp14*) of the SMAD6 gene. It is expected to result in an absent or disrupted protein product. This variant is not present in population databases (ExAC no frequency) and has not been reported in the literature in individuals with a SMAD6-related disease. The current clinical and genetic evidence is not sufficient to establish whether loss-of-function variants in SMAD6 cause disease. Therefore, this variant has been classified as a Variant of Uncertain Significance.

The Laboratory of Genetics and Metabolism, Hunan Children’s Hospital
Classification: Pathogenic for Radioulnar synostosis. Last evaluated: 2020-06-20. Review status: no assertion criteria provided. Collection method: research. Allele origin: maternal. Affected: yes. Not counted in ClinVar's aggregate classification.

OMIM
Classification: Pathogenic for AORTIC VALVE DISEASE 2. Last evaluated: 2019-07-08. Review status: no assertion criteria provided. Collection method: literature only. Allele origin: germline. Not counted in ClinVar's aggregate classification.

Centre of Medical Genetics, University of Antwerp
Classification: Pathogenic for Aortic valve disease 1. Last evaluated: 2018-11-14. Review status: no assertion criteria provided. Collection method: research. Allele origin: inherited. Affected: yes. Observed: 2 variant alleles. Not counted in ClinVar's aggregate classification.

Literature cited by the submitters: PubMed 30796334 (cited by OMIM).

NM_005585.5(SMAD6):c.42G>A (p.Trp14Ter)

Gene: SMAD6 (SMAD family member 6; plus strand). Cytogenetic location: 15q22.31.
Variant type: single nucleotide variant.
Coding change: c.42G>A on transcript NM_005585.5 (MANE Select); coding-DNA position 42, G replaced by A.
Protein change: p.Trp14Ter; replaces tryptophan 14 with a stop codon.
Molecular consequence: nonsense. On other transcripts: non-coding transcript variant (1).
Genome position (GRCh38, 1-based): chr15:66,703,300, G>A. VCF-style: chr15-66703300-G-A. GRCh37 (hg19) VCF-style: chr15-66995638-G-A.
Other names: short protein forms W14*.
Identifiers: ClinVar variation 471759 (VCV000471759.16), dbSNP rs1246889300, ClinGen allele CA392948349.
Genomic context (GRCh38, chr15:66,703,300, plus strand): 5'-TGGCGCCAAAGGATATCGTATGTTCAGGTCCAAACGCTCGGGGCTGGTGCGGCGACTTTG[G>A]CGAAGTCGTGTGGTCCCCGACCGGGAGGAAGGCGGCAGCGGCGGCGGCGGTGGCGGCGAC-3'